The following is an entry in ClinVar:

NM_005876.5(SPEG):c.2112C>T (p.Leu704=)

Gene: SPEG (striated muscle enriched protein kinase; plus strand). Cytogenetic location: 2q35.
Variant type: single nucleotide variant.
Coding change: c.2112C>T on transcript NM_005876.5 (MANE Select); coding-DNA position 2112, C replaced by T.
Protein change: p.Leu704=; no amino-acid change (leucine 704 retained).
Molecular consequence: synonymous variant.
Genome position (GRCh38, 1-based): chr2:219,449,270, C>T. VCF-style: chr2-219449270-C-T. GRCh37 (hg19) VCF-style: chr2-220313992-C-T.
Identifiers: ClinVar variation 1382330 (VCV001382330.5), dbSNP rs902646265, ClinGen allele CA66005185.
Genomic context (GRCh38, chr2:219,449,270, plus strand): 5'-CCGCCGAGGGGCCCGCAGCCAGGGCAAAGGTCGCCGGGCCCGGCCCACCTCCCCTGAGCT[C>T]GGTAAGGCCTCAGGGAGGGCTGACAAGGTGCCTGAACCCCCGTCGGGGGGCGTTTGTGGA-3'
Protein context (NP_005867.3, residues 694-714): GRRARPTSPE[Leu704=]ESSDDSYVSA

ClinVar aggregate classification (germline): Uncertain significance (1 of 4 stars; one submission).

Submission:

Labcorp Genetics (formerly Invitae), Labcorp
Classification: Uncertain significance. Last evaluated: 2022-02-09. Review status: criteria provided, single submitter. Criteria: Invitae Variant Classification Sherloc (09022015). Collection method: clinical testing. Allele origin: germline.
Comment: In summary, the available evidence is currently insufficient to determine the role of this variant in disease. Therefore, it has been classified as a Variant of Uncertain Significance. Algorithms developed to predict the effect of sequence changes on RNA splicing suggest that this variant is not likely to affect RNA splicing. This variant has not been reported in the literature in individuals affected with SPEG-related conditions. This variant is present in population databases (no rsID available, gnomAD 0.02%). This sequence change affects codon 704 of the SPEG mRNA. It is a 'silent' change, meaning that it does not change the encoded amino acid sequence of the SPEG protein. It affects a nucleotide within the consensus splice site.